The following is an entry in ClinVar:

NM_000222.3(KIT):c.431C>T (p.Thr144Ile)

Gene: KIT (KIT proto-oncogene, receptor tyrosine kinase; plus strand). Cytogenetic location: 4q12.
Variant type: single nucleotide variant.
Coding change: c.431C>T on transcript NM_000222.3 (MANE Select); coding-DNA position 431, C replaced by T.
Protein change: p.Thr144Ile; replaces threonine 144 with isoleucine.
Molecular consequence: missense variant.
Genome position (GRCh38, 1-based): chr4:54,698,377, C>T. VCF-style: chr4-54698377-C-T. GRCh37 (hg19) VCF-style: chr4-55564543-C-T.
Other names: c.431C>T, p.Thr144Ile (NM_001093772.2, NM_001385284.1, NM_001385285.1 and 4 more transcripts); c.431C>T (NM_000222.2); short protein forms T144I.
Identifiers: ClinVar variation 1058066 (VCV001058066.10), dbSNP rs2109672716, ClinGen allele CA356897570.
Genomic context (GRCh38, chr4:54,698,377, plus strand): 5'-TGTATGGGAAAGAAGACAACGACACGCTGGTCCGCTGTCCTCTCACAGACCCAGAAGTGA[C>T]CAATTATTCCCTCAAGGGGTGCCAGGGGAAGCCTCTTCCCAAGGACTTGAGGTTTATTCC-3'
Protein context (NP_000213.1, residues 134-154): VRCPLTDPEV[Thr144Ile]NYSLKGCQGK

ClinVar aggregate classification (germline): Uncertain significance. Review status: criteria provided, multiple submitters, no conflicts (2 of 4 stars). 2 submissions from 2 submitters: Uncertain significance (2). Last evaluated 2024-08-30.

Conditions:
Hereditary cancer-predisposing syndrome. Also called: Tumor predisposition; Neoplastic Syndromes, Hereditary; Hereditary neoplastic syndrome; Hereditary Cancer Syndrome. Identifiers: Orphanet 140162, MedGen C0027672, MeSH D009386, MONDO:0015356.
Gastrointestinal stromal tumor. Also called: Gastrointestinal stromal tumor, somatic; Gastrointestinal stroma tumor. Identifiers: Orphanet 44890, MedGen C0238198, MeSH D046152, MONDO:0011719, OMIM 606764, HP:0100723.

Allele frequency attached by ClinVar (database versions not stated): gnomAD exomes below 0.00001.
gnomAD v4.1: 2 of 1,614,138 alleles (0.00012%); highest among the groups gnomAD compares: Non-Finnish European, 0.00017%; no homozygotes.

Submissions (2):

Labcorp Genetics (formerly Invitae), Labcorp
Classification: Uncertain significance for Gastrointestinal stromal tumor. Last evaluated: 2024-08-30. Review status: criteria provided, single submitter. Criteria: Invitae Variant Classification Sherloc (09022015). Collection method: clinical testing. Allele origin: germline.
Comment: This sequence change replaces threonine, which is neutral and polar, with isoleucine, which is neutral and non-polar, at codon 144 of the KIT protein (p.Thr144Ile). This variant is not present in population databases (gnomAD no frequency). This variant has not been reported in the literature in individuals affected with KIT-related conditions. ClinVar contains an entry for this variant (Variation ID: 1058066). An algorithm developed to predict the effect of missense changes on protein structure and function (PolyPhen-2) suggests that this variant is likely to be tolerated. In summary, the available evidence is currently insufficient to determine the role of this variant in disease. Therefore, it has been classified as a Variant of Uncertain Significance.

Ambry Genetics
Classification: Uncertain significance for Hereditary cancer-predisposing syndrome. Last evaluated: 2024-06-06. Review status: criteria provided, single submitter. Criteria: Ambry Variant Classification Scheme 2023. Collection method: clinical testing. Allele origin: germline.
Comment: The p.T144I variant (also known as c.431C>T), located in coding exon 3 of the KIT gene, results from a C to T substitution at nucleotide position 431. The threonine at codon 144 is replaced by isoleucine, an amino acid with similar properties. This amino acid position is conserved. In addition, this alteration is predicted to be tolerated by in silico analysis. Based on the available evidence, the clinical significance of this variant remains unclear.